The following is an entry in ClinVar:

ClinVar aggregate classification (germline): Uncertain significance. Review status: criteria provided, multiple submitters, no conflicts (2 of 4 stars). 2 submissions from 2 submitters: Uncertain significance (2). Last evaluated 2022-10-15.

Conditions:
Autosomal dominant hypocalcemia 1 (HYPOC1). Also called: HYPOCALCEMIA, FAMILIAL. Identifiers: MedGen C3715128, MONDO:0011013, OMIM 601198.
Familial hypocalciuric hypercalcemia (FHH). Also called: Familial benign hypercalcemia. Identifiers: Orphanet 405, MedGen C1809471, MONDO:0018458.
Nephrolithiasis/nephrocalcinosis. Identifiers: MedGen CN580796.

Submissions (2):

Ambry Genetics
Classification: Uncertain significance for Nephrolithiasis/nephrocalcinosis. Last evaluated: 2022-10-15. Review status: criteria provided, single submitter. Criteria: Ambry Variant Classification Scheme 2023. Collection method: clinical testing. Allele origin: germline.
Comment: The p.L279F variant (also known as c.835C>T), located in coding exon 3 of the CASR gene, results from a C to T substitution at nucleotide position 835. The leucine at codon 279 is replaced by phenylalanine, an amino acid with highly similar properties. This amino acid position is conserved. In addition, the in silico prediction for this alteration is inconclusive. Since supporting evidence is limited at this time, the clinical significance of this alteration remains unclear.

Labcorp Genetics (formerly Invitae), Labcorp
Classification: Uncertain significance for Familial hypocalciuric hypercalcemia; Autosomal dominant hypocalcemia 1. Last evaluated: 2022-03-27. Review status: criteria provided, single submitter. Criteria: Invitae Variant Classification Sherloc (09022015). Collection method: clinical testing. Allele origin: germline.
Comment: In summary, the available evidence is currently insufficient to determine the role of this variant in disease. Therefore, it has been classified as a Variant of Uncertain Significance. Algorithms developed to predict the effect of missense changes on protein structure and function are either unavailable or do not agree on the potential impact of this missense change (SIFT: "Deleterious"; PolyPhen-2: "Probably Damaging"; Align-GVGD: "Class C15"). This variant has not been reported in the literature in individuals affected with CASR-related conditions. This variant is not present in population databases (gnomAD no frequency). This sequence change replaces leucine, which is neutral and non-polar, with phenylalanine, which is neutral and non-polar, at codon 279 of the CASR protein (p.Leu279Phe).

NM_000388.4(CASR):c.835C>T (p.Leu279Phe)

Gene: CASR (calcium sensing receptor; plus strand). Cytogenetic location: 3q21.1.
Variant type: single nucleotide variant.
Coding change: c.835C>T on transcript NM_000388.4 (MANE Select); coding-DNA position 835, C replaced by T.
Protein change: p.Leu279Phe; replaces leucine 279 with phenylalanine.
Molecular consequence: missense variant.
Genome position (GRCh38, 1-based): chr3:122,261,870, C>T. VCF-style: chr3-122261870-C-T. GRCh37 (hg19) VCF-style: chr3-121980717-C-T.
Other names: c.835C>T, p.Leu279Phe (NM_001178065.2); short protein forms L279F.
Identifiers: ClinVar variation 1763078 (VCV001763078.7), dbSNP rs763511178, ClinGen allele CA354151457.
Genomic context (GRCh38, chr3:122,261,870, plus strand): 5'-ATTCAAAATTCCACGGCCAAAGTCATCGTGGTTTTCTCCAGTGGCCCAGATCTTGAGCCC[C>T]TCATCAAGGAGATTGTCCGGCGCAATATCACGGGCAAGATCTGGCTGGCCAGCGAGGCCT-3'
Protein context (NP_000379.3, residues 269-289): VFSSGPDLEP[Leu279Phe]IKEIVRRNIT